The following is an entry in ClinVar:

NM_032638.5(GATA2):c.182C>T (p.Ala61Val)

Gene: GATA2 (GATA binding protein 2; minus strand). Cytogenetic location: 3q21.3.
Variant type: single nucleotide variant.
Coding change: c.182C>T on transcript NM_032638.5 (MANE Select); coding-DNA position 182, C replaced by T.
Protein change: p.Ala61Val; replaces alanine 61 with valine.
Molecular consequence: missense variant.
Genome position (GRCh38, 1-based): chr3:128,486,850, G>A on the plus strand (C>T on the coding strand, the complement: GATA2 is on the minus strand). VCF-style: chr3-128486850-G-A. GRCh37 (hg19) VCF-style: chr3-128205693-G-A.
Other names: c.182C>T, p.Ala61Val (NM_001145661.2, NM_001145662.1); short protein forms A61V.
Identifiers: ClinVar variation 241721 (VCV000241721.20), dbSNP rs375349195, ClinGen allele CA2600089.

ClinVar aggregate classification (germline): Uncertain significance. Review status: criteria provided, multiple submitters, no conflicts (2 of 4 stars). 7 submissions from 7 submitters: Uncertain significance (7). Last evaluated 2026-01-26.

Conditions:
Inborn genetic diseases. Identifiers: MedGen C0950123, MeSH D030342.
Monocytopenia with susceptibility to infections. Also called: GATA2 DEFICIENCY; MONOCYTOPENIA AND MYCOBACTERIAL INFECTION SYNDROME; MONOCYTOPENIA WITH SUSCEPTIBILITY TO MYCOBACTERIAL, FUNGAL, AND PAPILLOMAVIRUS INFECTIONS AND MYELODYSPLASIA; COMBINED IMMUNODEFICIENCY WITH SUSCEPTIBILITY TO MYCOBACTERIAL, VIRAL, AND FUNGAL INFECTIONS; Dendritic cell, monocyte, B lymphocyte, and natural killer lymphocyte deficiency; IMMUNODEFICIENCY 21. Identifiers: Orphanet 228423, MedGen C3280030, MONDO:0013607, OMIM 614172.
Deafness-lymphedema-leukemia syndrome. Also called: Emberger syndrome; Lymphedema, primary, with myelodysplasia. Identifiers: Orphanet 3226, MedGen C3279664, MONDO:0013540, OMIM 614038.
Acute myeloid leukemia (AML). Also called: Acute myeloid leukemia, adult; AML adult; Acute non-lymphocytic leukemia; Acute granulocytic leukemia; Leukemia, acute myelogenous, somatic; Leukemia, acute myeloid, somatic. Identifiers: Orphanet 519, MedGen C0023467, MeSH D015470, MONDO:0018874, OMIM 601626, HP:0004808. Disease mechanism: Constitutively activated FLT3.
Myelodysplastic syndrome (MDS). Also called: Myelodysplastic syndromes; MYELODYSPLASTIC SYNDROME, SUSCEPTIBILITY TO; Myelodysplastic syndrome, somatic. Identifiers: Orphanet 52688, MedGen C3463824, MeSH D009190, MONDO:0018881, OMIM 614286.

Allele frequency attached by ClinVar (database versions not stated): ExAC 0.00001; gnomAD exomes 0.00001 and 0.00003; ESP Exome Variant Server 0.00008.
gnomAD v4.1: 41 of 1,612,072 alleles (0.0025%); highest among the groups gnomAD compares: Non-Finnish European, 0.0034%; no homozygotes.

Submissions (7):

Labcorp Genetics (formerly Invitae), Labcorp
Classification: Uncertain significance for Monocytopenia with susceptibility to infections; Deafness-lymphedema-leukemia syndrome. Last evaluated: 2026-01-26. Review status: criteria provided, single submitter. Criteria: Invitae Variant Classification Sherloc (09022015). Collection method: clinical testing. Allele origin: germline.
Comment: This sequence change replaces alanine, which is neutral and non-polar, with valine, which is neutral and non-polar, at codon 61 of the GATA2 protein (p.Ala61Val). The frequency data for this variant in the population databases is considered unreliable, as metrics indicate poor data quality at this position in the gnomAD database. This missense change has been observed in individual(s) with acute myeloid leukemia (PMID: 21892162). ClinVar contains an entry for this variant (Variation ID: 241721). Invitae Evidence Modeling of protein sequence and biophysical properties (such as structural, functional, and spatial information, amino acid conservation, physicochemical variation, residue mobility, and thermodynamic stability) indicates that this missense variant is not expected to disrupt GATA2 protein function with a negative predictive value of 95%. In summary, the available evidence is currently insufficient to determine the role of this variant in disease. Therefore, it has been classified as a Variant of Uncertain Significance.

Ambry Genetics
Classification: Uncertain significance for Inborn genetic diseases. Last evaluated: 2024-12-12. Review status: criteria provided, single submitter. Criteria: Ambry Variant Classification Scheme 2023. Collection method: clinical testing. Allele origin: germline.
Comment: The p.A61V variant (also known as c.182C>T), located in coding exon 1 of the GATA2 gene, results from a C to T substitution at nucleotide position 182. The alanine at codon 61 is replaced by valine, an amino acid with similar properties. This variant was reported in individual(s) with features consistent with GATA2 deficiency syndrome, but germline origin was not confirmed (Hahn CN et al. Nat Genet, 2011 Sep;43:1012-7; Hogg G et al. Cancer Genet, 2023 Nov;278-279:38-49). This amino acid position is well conserved in available vertebrate species. In addition, the in silico prediction for this alteration is inconclusive. Based on the available evidence, the clinical significance of this variant remains unclear.

GeneDx
Classification: Uncertain significance. Last evaluated: 2023-11-10. Review status: criteria provided, single submitter. Criteria: GeneDx Variant Classification Process June 2021. Collection method: clinical testing. Allele origin: germline. Affected: yes.
Comment: Not observed at significant frequency in large population cohorts (gnomAD); In silico analysis supports that this missense variant has a deleterious effect on protein structure/function; Observed in an individual with sporadic acute myeloid leukemia; however, it is unknown if the variant was germline or somatic (PMID: 21892162); This variant is associated with the following publications: (PMID: 21892162)

Baylor Genetics
Classification: Uncertain significance for Acute myeloid leukemia. Last evaluated: 2023-08-31. Review status: criteria provided, single submitter. Criteria: ACMG Guidelines, 2015. Collection method: clinical testing. Allele origin: unknown.

Mayo Clinic Laboratories, Mayo Clinic
Classification: Uncertain significance. Last evaluated: 2021-02-15. Review status: criteria provided, single submitter. Criteria: ACMG Guidelines, 2015. Collection method: clinical testing. Allele origin: germline. Observed: 1 variant allele.

Fulgent Genetics
Classification: Uncertain significance for Acute myeloid leukemia; Deafness-lymphedema-leukemia syndrome; Monocytopenia with susceptibility to infections; Myelodysplastic syndrome. Last evaluated: 2018-10-31. Review status: criteria provided, single submitter. Criteria: ACMG Guidelines, 2015. Collection method: clinical testing. Allele origin: unknown.

PreventionGenetics, part of Exact Sciences
Classification: Uncertain significance. Last evaluated: 2017-07-28. Review status: criteria provided, single submitter. Criteria: ACMG Guidelines, 2015. Collection method: clinical testing. Allele origin: germline.

Literature cited by the submitters: PubMed 21892162 (cited by Labcorp Genetics (formerly Invitae), Labcorp and Ambry Genetics); PubMed 37586297 (cited by Ambry Genetics).